The following is an entry in ClinVar:

NM_014714.4(IFT140):c.3201G>A (p.Met1067Ile)

Gene: IFT140 (intraflagellar transport 140; minus strand). Cytogenetic location: 16p13.3.
Variant type: single nucleotide variant.
Coding change: c.3201G>A on transcript NM_014714.4 (MANE Select); coding-DNA position 3201, G replaced by A.
Protein change: p.Met1067Ile; replaces methionine 1067 with isoleucine.
Molecular consequence: missense variant.
Genome position (GRCh38, 1-based): chr16:1,523,897, C>T on the plus strand (G>A on the coding strand, the complement: IFT140 is on the minus strand). VCF-style: chr16-1523897-C-T. GRCh37 (hg19) VCF-style: chr16-1573898-C-T.
Other names: c.3201G>A (NM_014714.3); short protein forms M1067I.
Identifiers: ClinVar variation 2101024 (VCV002101024.5), dbSNP rs2506105190, ClinGen allele CA394225687.

ClinVar aggregate classification (germline): Uncertain significance. Review status: criteria provided, multiple submitters, no conflicts (2 of 4 stars). 2 submissions from 2 submitters: Uncertain significance (2). Last evaluated 2025-09-25.

Conditions:
Inborn genetic diseases. Identifiers: MedGen C0950123, MeSH D030342.
Saldino-Mainzer syndrome (SRTD9). Also called: CONORENAL SYNDROME; Renal dysplasia, retinal pigmentary dystrophy, cerebellar ataxia and skeletal dysplasia; SHORT-RIB THORACIC DYSPLASIA 9 WITHOUT POLYDACTYLY; short-rib thoracic dysplasia 9 with or without polydactyly. Identifiers: Orphanet 140969, MedGen C1849437, MONDO:0009964, OMIM 266920.

Submissions (2):

Ambry Genetics
Classification: Uncertain significance for Inborn genetic diseases. Last evaluated: 2025-09-25. Review status: criteria provided, single submitter. Criteria: Ambry Variant Classification Scheme 2023. Collection method: clinical testing. Allele origin: germline.

Labcorp Genetics (formerly Invitae), Labcorp
Classification: Uncertain significance for Saldino-Mainzer syndrome. Last evaluated: 2022-08-08. Review status: criteria provided, single submitter. Criteria: Invitae Variant Classification Sherloc (09022015). Collection method: clinical testing. Allele origin: germline.
Comment: In summary, the available evidence is currently insufficient to determine the role of this variant in disease. Therefore, it has been classified as a Variant of Uncertain Significance. Algorithms developed to predict the effect of missense changes on protein structure and function are either unavailable or do not agree on the potential impact of this missense change (SIFT: "Tolerated"; PolyPhen-2: "Probably Damaging"; Align-GVGD: "Class C0"). This variant has not been reported in the literature in individuals affected with IFT140-related conditions. This variant is not present in population databases (gnomAD no frequency). This sequence change replaces methionine, which is neutral and non-polar, with isoleucine, which is neutral and non-polar, at codon 1067 of the IFT140 protein (p.Met1067Ile).